The following is an entry in ClinVar:

NM_015629.4(PRPF31):c.838G>A (p.Val280Met)

Gene: PRPF31 (pre-mRNA processing factor 31; plus strand). Cytogenetic location: 19q13.42.
Variant type: single nucleotide variant.
Coding change: c.838G>A on transcript NM_015629.4 (MANE Select); coding-DNA position 838, G replaced by A.
Protein change: p.Val280Met; replaces valine 280 with methionine.
Molecular consequence: missense variant.
Genome position (GRCh38, 1-based): chr19:54,124,639, G>A. VCF-style: chr19-54124639-G-A. GRCh37 (hg19) VCF-style: chr19-54628018-G-A.
Other names: short protein forms V280M.
Identifiers: ClinVar variation 1989012 (VCV001989012.5), dbSNP rs770976679, ClinGen allele CA309326173.

ClinVar aggregate classification (germline): Uncertain significance. Review status: criteria provided, multiple submitters, no conflicts (2 of 4 stars). 2 submissions from 2 submitters: Uncertain significance (2). Last evaluated 2025-05-23.

Allele frequency attached by ClinVar (database versions not stated): gnomAD exomes below 0.00001; gnomAD 0.00001; ExAC 0.00002; TOPMed 0.00002.
gnomAD v4.1: 4 of 1,612,984 alleles (0.00025%); highest among the groups gnomAD compares: Admixed American, 0.0017%; no homozygotes.

Submissions (2):

Labcorp Genetics (formerly Invitae), Labcorp
Classification: Uncertain significance. Last evaluated: 2025-05-23. Review status: criteria provided, single submitter. Criteria: Invitae Variant Classification Sherloc (09022015). Collection method: clinical testing. Allele origin: germline.
Comment: This sequence change replaces valine, which is neutral and non-polar, with methionine, which is neutral and non-polar, at codon 280 of the PRPF31 protein (p.Val280Met). This variant is present in population databases (rs770976679, gnomAD 0.003%). This variant has not been reported in the literature in individuals affected with PRPF31-related conditions. ClinVar contains an entry for this variant (Variation ID: 1989012). An algorithm developed to predict the effect of missense changes on protein structure and function (PolyPhen-2) suggests that this variant is likely to be disruptive. In summary, the available evidence is currently insufficient to determine the role of this variant in disease. Therefore, it has been classified as a Variant of Uncertain Significance.

Blueprint Genetics
Classification: Uncertain significance. Last evaluated: 2023-02-10. Review status: criteria provided, single submitter. Criteria: ACMG Guidelines, 2015. Collection method: clinical testing. Allele origin: germline.